The following is an entry in ClinVar:

NM_006662.3(SRCAP):c.7357G>A (p.Ala2453Thr)

Gene: SRCAP (Snf2 related CREBBP activator protein; plus strand). Cytogenetic location: 16p11.2.
Variant type: single nucleotide variant.
Coding change: c.7357G>A on transcript NM_006662.3 (MANE Select); coding-DNA position 7357, G replaced by A.
Protein change: p.Ala2453Thr; replaces alanine 2453 with threonine.
Molecular consequence: missense variant.
Genome position (GRCh38, 1-based): chr16:30,737,397, G>A. VCF-style: chr16-30737397-G-A. GRCh37 (hg19) VCF-style: chr16-30748718-G-A.
Other names: short protein forms A2453T.
Identifiers: ClinVar variation 4071646 (VCV004071646.1).

ClinVar aggregate classification (germline): Uncertain significance (1 of 4 stars; one submission).

Submission:

GeneDx
Classification: Uncertain significance. Last evaluated: 2025-01-16. Review status: criteria provided, single submitter. Criteria: GeneDx Variant Classification Process June 2021. Collection method: clinical testing. Allele origin: germline. Affected: yes.
Comment: Not observed at significant frequency in large population cohorts (gnomAD); In silico analysis supports that this missense variant has a deleterious effect on protein structure/function; Has not been previously published as pathogenic or benign to our knowledge